The following is an entry in ClinVar:

NM_001084.5(PLOD3):c.*109T>G

Gene: PLOD3 (procollagen-lysine,2-oxoglutarate 5-dioxygenase 3; minus strand). Cytogenetic location: 7q22.1.
Variant type: single nucleotide variant.
Coding change: c.*109T>G on transcript NM_001084.5 (MANE Select); 109 bases downstream of the stop codon, T replaced by G.
Molecular consequence: 3 prime UTR variant.
Genome position (GRCh38, 1-based): chr7:101,206,172, A>C on the plus strand (T>G on the coding strand, the complement: PLOD3 is on the minus strand). VCF-style: chr7-101206172-A-C. GRCh37 (hg19) VCF-style: chr7-100849453-A-C.
Identifiers: ClinVar variation 2663317 (VCV002663317.1), dbSNP rs74786672, ClinGen allele CA163343548.

ClinVar aggregate classification (germline): Likely benign (1 of 4 stars; one submission).

Allele frequency attached by ClinVar (database versions not stated): gnomAD exomes 0.00847; gnomAD 0.01322; 1000 Genomes Project 30x 0.03107; 1000 Genomes Project 0.03235.
gnomAD v4.1: 10,419 of 1,129,430 alleles (0.92%); highest among the groups gnomAD compares: East Asian, 7.9%; 203 homozygotes.

Submission:

GeneDx
Classification: Likely benign. Last evaluated: 2021-05-22. Review status: criteria provided, single submitter. Criteria: GeneDx Variant Classification Process June 2021. Collection method: clinical testing. Allele origin: germline. Affected: yes.
Comment: See Variant Classification Assertion Criteria.